The following is an entry in ClinVar:

ClinVar aggregate classification (germline): Likely benign. Review status: criteria provided, multiple submitters, no conflicts (2 of 4 stars). 2 submissions from 2 submitters: Likely benign (2). Last evaluated 2023-08-15.

Conditions:
Hereditary cancer-predisposing syndrome. Also called: Tumor predisposition; Neoplastic Syndromes, Hereditary; Hereditary Cancer Syndrome; Hereditary neoplastic syndrome. Identifiers: Orphanet 140162, MedGen C0027672, MeSH D009386, MONDO:0015356.
Breast-ovarian cancer, familial, susceptibility to, 2 (BROVCA2). Also called: BRCA2 Hereditary Breast and Ovarian Cancer. Identifiers: Orphanet 145, MedGen C2675520, MONDO:0012933, OMIM 612555. Disease mechanism: loss of function.

gnomAD v4.1: 1 of 1,613,818 alleles (0.000062%); highest among the groups gnomAD compares: Non-Finnish European, 0.000085%; no homozygotes.

Submissions (2):

All of Us Research Program, National Institutes of Health
Classification: Likely benign for Breast-ovarian cancer, familial, susceptibility to, 2. Last evaluated: 2023-08-15. Review status: criteria provided, single submitter. Criteria: ACMG Guidelines, 2015. Collection method: clinical testing. Allele origin: germline. Inheritance: Autosomal dominant inheritance. Observed: 1 variant allele, 1 heterozygote.
Comment: This study involves interpretation of variants in research participants for the purpose of population health screening. Participant phenotype was not available at the time of variant classification. Additional details can be found in publication PMID: 35346344, PMCID: PMC8962531

Ambry Genetics
Classification: Likely benign for Hereditary cancer-predisposing syndrome. Last evaluated: 2023-06-24. Review status: criteria provided, single submitter. Criteria: Ambry Variant Classification Scheme 2023. Collection method: clinical testing. Allele origin: germline.

NM_000059.4(BRCA2):c.8785T>C (p.Leu2929=)

Gene: BRCA2 (BRCA2 DNA repair associated; plus strand). Cytogenetic location: 13q13.1.
Variant type: single nucleotide variant.
Coding change: c.8785T>C on transcript NM_000059.4 (MANE Select); coding-DNA position 8785, T replaced by C.
Protein change: p.Leu2929=; no amino-acid change (leucine 2929 retained).
Molecular consequence: synonymous variant. On other transcripts: non-coding transcript variant (1).
Genome position (GRCh38, 1-based): chr13:32,379,347, T>C. VCF-style: chr13-32379347-T-C. GRCh37 (hg19) VCF-style: chr13-32953484-T-C.
Other names: c.8689T>C, p.Leu2897= (NM_001406719.1); c.8785T>C, p.Leu2929= (NM_001406720.1); c.3853T>C, p.Leu1285= (NM_001406721.1); c.2368T>C, p.Leu790= (NM_001406722.1).
Identifiers: ClinVar variation 2586276 (VCV002586276.3), dbSNP rs2137619195, ClinGen allele CA483261938.
Genomic context (GRCh38, chr13:32,379,347, plus strand): 5'-TTTTTATTCCAATATCTTAAATGGTCACAGGGTTATTTCAGTGAAGAGCAGTTAAGAGCC[T>C]TGAATAATCACAGGCAAATGTTGAATGATAAGAAACAAGCTCAGATCCAGTTGGAAATTA-3'
Protein context (NP_000050.3, residues 2919-2939): GYFSEEQLRA[Leu2929=]NNHRQMLNDK